The following is an entry in ClinVar:

NM_001923.5(DDB1):c.698G>C (p.Gly233Ala)

Gene: DDB1 (damage specific DNA binding protein 1; minus strand). Cytogenetic location: 11q12.2.
Variant type: single nucleotide variant.
Coding change: c.698G>C on transcript NM_001923.5 (MANE Select); coding-DNA position 698, G replaced by C.
Protein change: p.Gly233Ala; replaces glycine 233 with alanine.
Molecular consequence: missense variant.
Genome position (GRCh38, 1-based): chr11:61,325,675, C>G on the plus strand (G>C on the coding strand, the complement: DDB1 is on the minus strand). VCF-style: chr11-61325675-C-G. GRCh37 (hg19) VCF-style: chr11-61093147-C-G.
Other names: short protein forms G233A.
Identifiers: ClinVar variation 3359914 (VCV003359914.1).

ClinVar aggregate classification (germline): Uncertain significance (1 of 4 stars; one submission).

Submission:

GeneDx
Classification: Uncertain significance. Last evaluated: 2023-06-14. Review status: criteria provided, single submitter. Criteria: GeneDx Variant Classification Process June 2021. Collection method: clinical testing. Allele origin: germline. Affected: yes.
Comment: Not observed at significant frequency in large population cohorts (gnomAD); In silico analysis supports that this missense variant has a deleterious effect on protein structure/function; Has not been previously published as pathogenic or benign to our knowledge